The following is an entry in ClinVar:

NM_001277115.2(DNAH11):c.13499A>G (p.Glu4500Gly)

Genes: CDCA7L (cell division cycle associated 7 like; minus strand), DNAH11 (dynein axonemal heavy chain 11; plus strand). Cytogenetic location: 7p15.3.
Variant type: single nucleotide variant.
Coding change: c.13499A>G on transcript NM_001277115.2 (MANE Select); coding-DNA position 13499, A replaced by G.
Protein change: p.Glu4500Gly; replaces glutamic acid 4500 with glycine.
Molecular consequence: missense variant. On other transcripts: 3 prime UTR variant (3).
Genome position (GRCh38, 1-based): chr7:21,901,202, A>G. VCF-style: chr7-21901202-A-G. GRCh37 (hg19) VCF-style: chr7-21940820-A-G.
Other names: c.*1120T>C (NM_001127370.3, NM_001127371.3, NM_018719.5); short protein forms E4500G.
Identifiers: ClinVar variation 2636097 (VCV002636097.4), dbSNP rs767206447, ClinGen allele CA366957202.

ClinVar aggregate classification (germline): Uncertain significance. Review status: criteria provided, multiple submitters, no conflicts (2 of 4 stars). 3 submissions from 3 submitters: Uncertain significance (3). Last evaluated 2025-11-19.

Conditions:
DNAH11-related disorder. Also called: DNAH11-related condition.
Primary ciliary dyskinesia. Also called: Ciliary dyskinesia. Identifiers: Orphanet 244, MedGen C0008780, MONDO:0016575, HP:0012265.

Submissions (3):

PreventionGenetics, part of Exact Sciences
Classification: Uncertain significance for DNAH11-related condition. Last evaluated: 2025-11-19. Review status: criteria provided, single submitter. Criteria: ACMG Guidelines, 2015. Collection method: clinical testing. Allele origin: germline.
Comment: The DNAH11 c.13499A>G variant is predicted to result in the amino acid substitution p.Glu4500Gly. To our knowledge, this variant has not been reported in the literature or in a large population database (gnomAD), indicating this variant is rare. At this time, the clinical significance of this variant is uncertain due to the absence of conclusive functional and genetic evidence.

Labcorp Genetics (formerly Invitae), Labcorp
Classification: Uncertain significance for Primary ciliary dyskinesia. Last evaluated: 2025-03-07. Review status: criteria provided, single submitter. Criteria: Invitae Variant Classification Sherloc (09022015). Collection method: clinical testing. Allele origin: germline.
Comment: This sequence change replaces glutamic acid, which is acidic and polar, with glycine, which is neutral and non-polar, at codon 4500 of the DNAH11 protein (p.Glu4500Gly). This variant is not present in population databases (gnomAD no frequency). This variant has not been reported in the literature in individuals affected with DNAH11-related conditions. ClinVar contains an entry for this variant (Variation ID: 2636097). Invitae Evidence Modeling of protein sequence and biophysical properties (such as structural, functional, and spatial information, amino acid conservation, physicochemical variation, residue mobility, and thermodynamic stability) indicates that this missense variant is not expected to disrupt DNAH11 protein function with a negative predictive value of 95%. In summary, the available evidence is currently insufficient to determine the role of this variant in disease. Therefore, it has been classified as a Variant of Uncertain Significance.

Blueprint Genetics
Classification: Uncertain significance. Last evaluated: 2023-07-20. Review status: criteria provided, single submitter. Criteria: ACMG Guidelines, 2015. Collection method: clinical testing. Allele origin: germline.